The following is an entry in ClinVar:

ClinVar aggregate classification (germline): Benign. Review status: criteria provided, multiple submitters, no conflicts (2 of 4 stars). 5 submissions from 5 submitters: Benign (4). 1 of the submissions does not count toward it. Last evaluated 2026-02-03.

Conditions:
RELN-related disorder. Also called: RELN-related condition.
Norman-Roberts syndrome (LIS2). Also called: Lissencephaly 2 (Norman-Roberts type). Identifiers: Orphanet 89844, MedGen C0796089, MONDO:0009760, OMIM 257320.
Familial temporal lobe epilepsy 7. Identifiers: Orphanet 101046, MedGen C4225327, MONDO:0014639, OMIM 616436.

Submissions (5):

Labcorp Genetics (formerly Invitae), Labcorp
Classification: Benign for Familial temporal lobe epilepsy 7; Norman-Roberts syndrome. Last evaluated: 2026-02-03. Review status: criteria provided, single submitter. Criteria: Invitae Variant Classification Sherloc (09022015). Collection method: clinical testing. Allele origin: germline.

Mayo Clinic Laboratories, Mayo Clinic
Classification: Benign. Last evaluated: 2019-03-19. Review status: criteria provided, single submitter. Criteria: ACMG Guidelines, 2015. Collection method: clinical testing. Allele origin: germline. Observed: 10 variant alleles.

GeneDx
Classification: Benign. Last evaluated: 2018-05-03. Review status: criteria provided, single submitter. Criteria: GeneDx Variant Classification Process June 2021. Collection method: clinical testing. Allele origin: germline. Affected: yes.

Eurofins Ntd Llc (ga)
Classification: Benign. Last evaluated: 2013-04-22. Review status: criteria provided, single submitter. Criteria: EGL Classification Definitions 2015. Collection method: clinical testing. Allele origin: germline. Observed: 4 variant alleles, 4 heterozygotes.

PreventionGenetics, part of Exact Sciences
Classification: Benign for RELN-related condition. Last evaluated: 2019-08-07. Review status: no assertion criteria provided. Collection method: clinical testing. Allele origin: germline. Not counted in ClinVar's aggregate classification.
Comment: This variant is classified as benign based on ACMG/AMP sequence variant interpretation guidelines (Richards et al. 2015 PMID: 25741868, with internal and published modifications).

NM_005045.4(RELN):c.9370-13_9370-8del

Genes: RELN (reelin; minus strand), SLC26A5-AS1 (SLC26A5 antisense RNA 1; plus strand). Cytogenetic location: 7q22.1.
Variant type: Deletion.
Coding change: c.9370-13_9370-8del on transcript NM_005045.4 (MANE Select); 13 bases into the intron before coding-DNA position 9370 through 8 bases into the intron before coding-DNA position 9370, 6 bases deleted (ATGTTT; older notation c.9370-13_9370-8delATGTTT).
Molecular consequence: intron variant.
Genome position (GRCh38, 1-based): chr7:103,492,034-103,492,039, AAACAT deleted on the plus strand (ATGTTT on the coding strand, the reverse complement: RELN is on the minus strand); deleting any 6 consecutive bases within chr7:103,492,034-103,492,044 gives the same sequence; the c. name uses the placement nearest the transcript's 3' end. VCF-style (leftmost placement, unchanged base first): chr7-103492033-CAAACAT-C. GRCh37 (hg19) VCF-style: chr7-103132480-CAAACAT-C.
Other names: p.?; c.9370-13_9370-8del (NM_173054.3); c.9370-13_9370-8delATGTTT (NM_005045.3).
Identifiers: ClinVar variation 95238 (VCV000095238.19), dbSNP rs141397961, ClinGen allele CA148359.
Genomic context (GRCh38, chr7:103,492,033, plus strand): 5'-CAGCATTACGGAATGAAGGTCACCACAAGAAGTGGCTTCACAACCCACCACAATCTAAAA[CAAACAT>C]AAACAATCAATACACAGGTAAGATTAGATGATACTGAATTCCATTAATTAAAATCCCATC-3'